The following is an entry in ClinVar:

NC_000003.12:g.48467727A>G

Gene: TREX1 (three prime repair exonuclease 1; plus strand). Cytogenetic location: 3p21.31.
Variant type: single nucleotide variant.
Genome position: GRCh38 VCF-style: chr3-48467727-A-G. GRCh37 (hg19) VCF-style: chr3-48509126-A-G.
Identifiers: ClinVar variation 3041508 (VCV003041508.2), dbSNP rs531735246, ClinGen allele CA73933570.

ClinVar aggregate classification (germline): Likely benign (0 of 4 stars; one submission).

Conditions:
TREX1-related disorder. Also called: TREX1-related condition; TREX1-related disorders. Identifiers: MedGen CN239414.

Allele frequency attached by ClinVar (database versions not stated): TOPMed 0.00002; gnomAD 0.00009; gnomAD exomes 0.00010; 1000 Genomes Project 0.00060; 1000 Genomes Project 30x 0.00062.

Submission:

PreventionGenetics, part of Exact Sciences
Classification: Likely benign for TREX1-related condition. Last evaluated: 2022-10-21. Review status: no assertion criteria provided. Collection method: clinical testing. Allele origin: germline.
Comment: This variant is classified as likely benign based on ACMG/AMP sequence variant interpretation guidelines (Richards et al. 2015 PMID: 25741868, with internal and published modifications).